The following is an entry in ClinVar:

NM_025099.6(CTC1):c.1277G>A (p.Arg426His)

Gene: CTC1 (CST telomere replication complex component 1; minus strand). Cytogenetic location: 17p13.1.
Variant type: single nucleotide variant.
Coding change: c.1277G>A on transcript NM_025099.6 (MANE Select); coding-DNA position 1277, G replaced by A.
Protein change: p.Arg426His; replaces arginine 426 with histidine.
Molecular consequence: missense variant. On other transcripts: non-coding transcript variant (1).
Genome position (GRCh38, 1-based): chr17:8,235,215, C>T on the plus strand (G>A on the coding strand, the complement: CTC1 is on the minus strand). VCF-style: chr17-8235215-C-T. GRCh37 (hg19) VCF-style: chr17-8138533-C-T.
Other names: short protein forms R426H.
Identifiers: ClinVar variation 1021335 (VCV001021335.8), dbSNP rs1215600600, ClinGen allele CA397984868.

ClinVar aggregate classification (germline): Uncertain significance. Review status: criteria provided, multiple submitters, no conflicts (2 of 4 stars). 2 submissions from 2 submitters: Uncertain significance (2). Last evaluated 2024-12-09.

Conditions:
Dyskeratosis congenita. Identifiers: Orphanet 1775, MedGen C0265965, MONDO:0015780.
Cerebroretinal microangiopathy with calcifications and cysts 1 (CRMCC1). Identifiers: Orphanet 313838, MedGen C4552029, MONDO:0024564, OMIM 612199.

Allele frequency attached by ClinVar (database versions not stated): TOPMed below 0.00001; gnomAD exomes 0.00001.
gnomAD v4.1: 12 of 1,614,126 alleles (0.00074%); highest among the groups gnomAD compares: East Asian, 0.0045%; no homozygotes.

Submissions (2):

Labcorp Genetics (formerly Invitae), Labcorp
Classification: Uncertain significance for Dyskeratosis congenita. Last evaluated: 2024-12-09. Review status: criteria provided, single submitter. Criteria: Invitae Variant Classification Sherloc (09022015). Collection method: clinical testing. Allele origin: germline.
Comment: This sequence change replaces arginine, which is basic and polar, with histidine, which is basic and polar, at codon 426 of the CTC1 protein (p.Arg426His). This variant is present in population databases (no rsID available, gnomAD no frequency). This variant has not been reported in the literature in individuals affected with CTC1-related conditions. ClinVar contains an entry for this variant (Variation ID: 1021335). Invitae Evidence Modeling of protein sequence and biophysical properties (such as structural, functional, and spatial information, amino acid conservation, physicochemical variation, residue mobility, and thermodynamic stability) indicates that this missense variant is not expected to disrupt CTC1 protein function with a negative predictive value of 80%. In summary, the available evidence is currently insufficient to determine the role of this variant in disease. Therefore, it has been classified as a Variant of Uncertain Significance.

Fulgent Genetics
Classification: Uncertain significance for Cerebroretinal microangiopathy with calcifications and cysts 1. Last evaluated: 2024-02-06. Review status: criteria provided, single submitter. Criteria: ACMG Guidelines, 2015. Collection method: clinical testing. Allele origin: germline.